The following is an entry in ClinVar:

ClinVar aggregate classification (germline): Uncertain significance (1 of 4 stars; one submission).

Conditions:
Microphthalmia, isolated, with coloboma 6 (MCOPCB6). Also called: MICROPHTHALMIA/COLOBOMA 6; Microphthalmia with coloboma 6, digenic; Microphthalmia with coloboma 6. Identifiers: Orphanet 98938, MedGen C3150968, MONDO:0013376, OMIM 613703.
Klippel-Feil syndrome 1, autosomal dominant (KFS1). Also called: CERVICAL VERTEBRAL FUSION, AUTOSOMAL DOMINANT. Identifiers: Orphanet 2345, MedGen C1861689, MONDO:0007306, OMIM 118100.
Leber congenital amaurosis 17 (LCA17). Identifiers: Orphanet 65, MedGen C3715164, MONDO:0014145, OMIM 615360.
Isolated microphthalmia 4. Identifiers: Orphanet 2542, MedGen C2751307, MONDO:0013130, OMIM 613094.

Submission:

Labcorp Genetics (formerly Invitae), Labcorp
Classification: Uncertain significance for Isolated microphthalmia 4; Leber congenital amaurosis 17; Klippel-Feil syndrome 1, autosomal dominant; Microphthalmia, isolated, with coloboma 6. Last evaluated: 2022-03-12. Review status: criteria provided, single submitter. Criteria: Invitae Variant Classification Sherloc (09022015). Collection method: clinical testing. Allele origin: germline.
Comment: This sequence change replaces serine, which is neutral and polar, with arginine, which is basic and polar, at codon 116 of the GDF6 protein (p.Ser116Arg). This variant is not present in population databases (gnomAD no frequency). In summary, the available evidence is currently insufficient to determine the role of this variant in disease. Therefore, it has been classified as a Variant of Uncertain Significance. This variant has not been reported in the literature in individuals affected with GDF6-related conditions. Algorithms developed to predict the effect of missense changes on protein structure and function are either unavailable or do not agree on the potential impact of this missense change (SIFT: "Deleterious"; PolyPhen-2: "Probably Damaging"; Align-GVGD: "Class C0").

NM_001001557.4(GDF6):c.348C>G (p.Ser116Arg)

Gene: GDF6 (growth differentiation factor 6; minus strand). Cytogenetic location: 8q22.1.
Variant type: single nucleotide variant.
Coding change: c.348C>G on transcript NM_001001557.4 (MANE Select); coding-DNA position 348, C replaced by G.
Protein change: p.Ser116Arg; replaces serine 116 with arginine.
Molecular consequence: missense variant.
Genome position (GRCh38, 1-based): chr8:96,160,345, G>C on the plus strand (C>G on the coding strand, the complement: GDF6 is on the minus strand). VCF-style: chr8-96160345-G-C. GRCh37 (hg19) VCF-style: chr8-97172573-G-C.
Other names: short protein forms S116R.
Identifiers: ClinVar variation 2109667 (VCV002109667.4), dbSNP rs2487849057, ClinGen allele CA371753438.